The following is an entry in ClinVar:

NM_000038.6(APC):c.277del (p.Leu93fs)

Gene: APC (APC regulator of Wnt signaling pathway; plus strand). Cytogenetic location: 5q22.2.
Variant type: Deletion.
Coding change: c.277del on transcript NM_000038.6 (MANE Select); coding-DNA position 277, one base deleted (C; older notation c.277delC).
Protein change: p.Leu93fs; shifts the reading frame from leucine 93.
Molecular consequence: frameshift variant. On other transcripts: 5 prime UTR variant (1).
Genome position (GRCh38, 1-based): chr5:112,767,245, C deleted; the last of 3 consecutive C bases (chr5:112,767,243-112,767,245); deleting any one gives the same sequence. VCF-style (leftmost placement, unchanged base first): chr5-112767242-TC-T. GRCh37 (hg19) VCF-style: chr5-112102939-TC-T.
Other names: c.277del, p.Leu93fs (NM_001127510.3, NM_001354895.2, NM_001354896.2 and 2 more transcripts); c.307del, p.Leu103fs (NM_001127511.3, NM_001354897.2, NM_001354902.2); c.202del, p.Leu68fs (NM_001354898.2, NM_001354904.2); c.100del, p.Leu34fs (NM_001354900.2, NM_001354901.2, NM_001354905.2); c.-759del (NM_001354906.2); short protein forms L68fs, L103fs, L34fs, L93fs.
Identifiers: ClinVar variation 821798 (VCV000821798.7), dbSNP rs1580328099, ClinGen allele CA915943442.
Genomic context (GRCh38, chr5:112,767,242, plus strand): 5'-TATTTAGAGCTTAACTTAGATAGCAGTAATTTCCCTGGAGTAAAACTGCGGTCAAAAATG[TC>T]CCTCCGTTCTTATGGAAGCCGGGAAGGATCTGTATCAAGCCGTTCTGGAGAGTGCAGTCC-3'

ClinVar aggregate classification (germline): Pathogenic. Review status: criteria provided, multiple submitters, no conflicts (2 of 4 stars). 2 submissions from 2 submitters: Pathogenic (2). Last evaluated 2025-01-02.

Conditions:
Familial adenomatous polyposis 1 (FAP1). Also called: FAMILIAL ADENOMATOUS POLYPOSIS 1, ATTENUATED; POLYPOSIS, ADENOMATOUS INTESTINAL. Identifiers: MedGen C2713442, MONDO:0021056, OMIM 175100. Disease mechanism: loss of function.
Hereditary cancer-predisposing syndrome. Also called: Tumor predisposition; Hereditary Cancer Syndrome; Neoplastic Syndromes, Hereditary; Hereditary neoplastic syndrome. Identifiers: Orphanet 140162, MedGen C0027672, MeSH D009386, MONDO:0015356.

Submissions (2):

Ambry Genetics
Classification: Pathogenic for Hereditary cancer-predisposing syndrome. Last evaluated: 2025-01-02. Review status: criteria provided, single submitter. Criteria: Ambry Variant Classification Scheme 2023. Collection method: clinical testing. Allele origin: germline.
Comment: The c.277delC pathogenic mutation, located in coding exon 3 of the APC gene, results from a deletion of one nucleotide at nucleotide position 277, causing a translational frameshift with a predicted alternate stop codon (p.L93Sfs*32). This variant is considered to be rare based on population cohorts in the Genome Aggregation Database (gnomAD). This alteration is expected to result in loss of function by premature protein truncation or nonsense-mediated mRNA decay. As such, this alteration is interpreted as a disease-causing mutation.

Myriad Genetics, Inc.
Classification: Pathogenic for Familial adenomatous polyposis 1. Last evaluated: 2023-04-25. Review status: criteria provided, single submitter. Criteria: Myriad Autosomal Dominant, Autosomal Recessive and X-Linked Classification Criteria (2023). Collection method: clinical testing. Allele origin: unknown.
Comment: This variant is considered pathogenic. This variant creates a frameshift predicted to result in premature protein truncation.